The following is an entry in ClinVar:

ClinVar aggregate classification (germline): Conflicting classifications of pathogenicity. Review status: criteria provided, conflicting classifications (1 of 4 stars). 2 submissions from 2 submitters: Uncertain significance (1); Likely benign (1). Last evaluated 2026-02-01.

Conditions:
Junctional epidermolysis bullosa with pyloric atresia. Also called: Epidermolysis bullosa, junctional, with pyloric atresia and aplasia cutis congenita; Epidermolysis bullosa junctionalis with pyloric atresia; APLASIA CUTIS CONGENITA WITH GASTROINTESTINAL ATRESIA; CARMI SYNDROME; EB-PA-ACC; ITGB4-Related Epidermolysis Bullosa with Pyloric Atresia. Identifiers: Orphanet 79403, MedGen C5676875, MONDO:0009183, OMIM 226730.

Allele frequency attached by ClinVar (database versions not stated): gnomAD 0.00009; 1000 Genomes Project 0.00020; TOPMed 0.00007; ExAC 0.00008; ESP Exome Variant Server 0.00008; 1000 Genomes Project 30x 0.00016.
gnomAD v4.1: 36 of 1,612,862 alleles (0.0022%); highest among the groups gnomAD compares: South Asian, 0.022%; no homozygotes.

Submissions (2):

Clinical Genomics Laboratory, Washington University in St. Louis
Classification: Uncertain significance for Junctional epidermolysis bullosa with pyloric atresia. Last evaluated: 2026-02-01. Review status: criteria provided, single submitter. Criteria: ACMG Guidelines, 2015. Collection method: clinical testing. Allele origin: germline.
Comment: An ITGB4 c.5105C>T (p.Thr1702Ile) variant was identified in a heterozygous state. This variant, to our knowledge, has not been reported in the medical literature. It is only observed on 14/280,886 alleles in the general population (gnomAD v4.1.0), indicating it is not a common variant. Computational predictors are uncertain as to the impact of this variant on ITGB4 function. Due to limited information, and based on ACMG/AMP guidelines for variant interpretation (Richards S et al., PMID: 25741868), the clinical significance of this variant is uncertain at this time.

Labcorp Genetics (formerly Invitae), Labcorp
Classification: Likely benign. Last evaluated: 2023-10-17. Review status: criteria provided, single submitter. Criteria: Invitae Variant Classification Sherloc (09022015). Collection method: clinical testing. Allele origin: germline.

NM_000213.5(ITGB4):c.5105C>T (p.Thr1702Ile)

Genes: GALK1 (galactokinase 1; minus strand), ITGB4 (integrin subunit beta 4; plus strand). Cytogenetic location: 17q25.1.
Variant type: single nucleotide variant.
Coding change: c.5105C>T on transcript NM_000213.5 (MANE Select); coding-DNA position 5105, C replaced by T.
Protein change: p.Thr1702Ile; replaces threonine 1702 with isoleucine.
Molecular consequence: missense variant. On other transcripts: intron variant (1).
Genome position (GRCh38, 1-based): chr17:75,756,994, C>T. VCF-style: chr17-75756994-C-T. GRCh37 (hg19) VCF-style: chr17-73753075-C-T.
Other names: c.5054C>T, p.Thr1685Ile (NM_001005619.2); c.4895C>T, p.Thr1632Ile (NM_001005731.3, NM_001321123.2); c.4745C>T, p.Thr1582Ile (NM_001438834.1); c.*22+1040G>A (NM_001381985.1); short protein forms T1632I, T1685I, T1702I, T1582I.
Identifiers: ClinVar variation 1933563 (VCV001933563.5), dbSNP rs139181455, ClinGen allele CA8770465.